The following is an entry in ClinVar:

ClinVar aggregate classification (germline): Uncertain significance (1 of 4 stars; one submission).

Allele frequency attached by ClinVar (database versions not stated): gnomAD 0.00001; TOPMed 0.00001.
gnomAD v4.1: 1 of 1,613,100 alleles (0.000062%); highest among the groups gnomAD compares: African/African-American, 0.0013%; no homozygotes.

Submission:

Labcorp Genetics (formerly Invitae), Labcorp
Classification: Uncertain significance. Last evaluated: 2022-02-02. Review status: criteria provided, single submitter. Criteria: Invitae Variant Classification Sherloc (09022015). Collection method: clinical testing. Allele origin: germline.
Comment: This variant is not present in population databases (gnomAD no frequency). In summary, the available evidence is currently insufficient to determine the role of this variant in disease. Therefore, it has been classified as a Variant of Uncertain Significance. Algorithms developed to predict the effect of missense changes on protein structure and function are either unavailable or do not agree on the potential impact of this missense change (SIFT: "Deleterious"; PolyPhen-2: "Benign"; Align-GVGD: "Class C0"). This variant has not been reported in the literature in individuals affected with MPDZ-related conditions. This sequence change replaces serine, which is neutral and polar, with glycine, which is neutral and non-polar, at codon 707 of the MPDZ protein (p.Ser707Gly).

NM_001378778.1(MPDZ):c.2119A>G (p.Ser707Gly)

Gene: MPDZ (multiple PDZ domain crumbs cell polarity complex component; minus strand). Cytogenetic location: 9p23.
Variant type: single nucleotide variant.
Coding change: c.2119A>G on transcript NM_001378778.1 (MANE Select); coding-DNA position 2119, A replaced by G.
Protein change: p.Ser707Gly; replaces serine 707 with glycine.
Molecular consequence: missense variant.
Genome position (GRCh38, 1-based): chr9:13,190,149, T>C on the plus strand (A>G on the coding strand, the complement: MPDZ is on the minus strand). VCF-style: chr9-13190149-T-C. GRCh37 (hg19) VCF-style: chr9-13190148-T-C.
Other names: c.2119A>G, p.Ser707Gly (NM_001261406.2, NM_001261407.2, NM_001330637.2 and 14 more transcripts); short protein forms S707G.
Identifiers: ClinVar variation 1414275 (VCV001414275.6), dbSNP rs1954701874, ClinGen allele CA372938427.